The following is an entry in ClinVar:

NM_014874.4(MFN2):c.1451C>T (p.Thr484Met)

Gene: MFN2 (mitofusin 2; plus strand). Cytogenetic location: 1p36.22.
Variant type: single nucleotide variant.
Coding change: c.1451C>T on transcript NM_014874.4 (MANE Select); coding-DNA position 1451, C replaced by T.
Protein change: p.Thr484Met; replaces threonine 484 with methionine.
Molecular consequence: missense variant.
Genome position (GRCh38, 1-based): chr1:12,004,883, C>T. VCF-style: chr1-12004883-C-T. GRCh37 (hg19) VCF-style: chr1-12064940-C-T.
Other names: c.1451C>T, p.Thr484Met (NM_001127660.2); short protein forms T484M.
Identifiers: ClinVar variation 864782 (VCV000864782.13), dbSNP rs375480365, ClinGen allele CA599123.

ClinVar aggregate classification (germline): Conflicting classifications of pathogenicity. Review status: criteria provided, conflicting classifications (1 of 4 stars). 3 submissions from 3 submitters: Uncertain significance (2); Likely benign (1). Last evaluated 2026-09-01.

Conditions:
MFN2-related disorder. Also called: MFN2-related disorders; MFN2-related condition.
Inborn genetic diseases. Identifiers: MedGen C0950123, MeSH D030342.
Charcot-Marie-Tooth disease type 2. Also called: Charcot-Marie-Tooth type 2. Identifiers: Orphanet 64746, MedGen C0270914, MONDO:0018993.

Allele frequency attached by ClinVar (database versions not stated): TOPMed 0.00003; gnomAD 0.00004; gnomAD exomes 0.00005 and 0.00006; ESP Exome Variant Server 0.00008; ExAC 0.00009.
gnomAD v4.1: 98 of 1,613,444 alleles (0.0061%); highest among the groups gnomAD compares: Admixed American, 0.01%; no homozygotes.

Submissions (3):

PreventionGenetics, part of Exact Sciences
Classification: Uncertain significance for MFN2-related condition. Last evaluated: 2026-09-01. Review status: criteria provided, single submitter. Criteria: ACMG Guidelines, 2015. Collection method: clinical testing. Allele origin: germline.
Comment: The MFN2 c.1451C>T variant is predicted to result in the amino acid substitution p.Thr484Met. To our knowledge, this variant has not been reported in the literature. This variant is reported in 0.017% of alleles in individuals of Latino descent in gnomAD. At this time, the clinical significance of this variant is uncertain due to the absence of conclusive functional and genetic evidence.

Labcorp Genetics (formerly Invitae), Labcorp
Classification: Likely benign for Charcot-Marie-Tooth disease type 2. Last evaluated: 2025-02-16. Review status: criteria provided, single submitter. Criteria: Invitae Variant Classification Sherloc (09022015). Collection method: clinical testing. Allele origin: germline.

Ambry Genetics
Classification: Uncertain significance for Inborn genetic diseases. Last evaluated: 2022-08-08. Review status: criteria provided, single submitter. Criteria: Ambry Variant Classification Scheme 2023. Collection method: clinical testing. Allele origin: germline.
Comment: The p.T484M variant (also known as c.1451C>T), located in coding exon 12 of the MFN2 gene, results from a C to T substitution at nucleotide position 1451. The threonine at codon 484 is replaced by methionine, an amino acid with similar properties. This amino acid position is conserved. In addition, this alteration is predicted to be tolerated by in silico analysis. Since supporting evidence is limited at this time, the clinical significance of this alteration remains unclear.